The following is an entry in ClinVar:

NM_053025.4(MYLK):c.2350G>T (p.Val784Leu)

Gene: MYLK (myosin light chain kinase; minus strand). Cytogenetic location: 3q21.1.
Variant type: single nucleotide variant.
Coding change: c.2350G>T on transcript NM_053025.4 (MANE Select); coding-DNA position 2350, G replaced by T.
Protein change: p.Val784Leu; replaces valine 784 with leucine.
Molecular consequence: missense variant.
Genome position (GRCh38, 1-based): chr3:123,707,794, C>A on the plus strand (G>T on the coding strand, the complement: MYLK is on the minus strand). VCF-style: chr3-123707794-C-A. GRCh37 (hg19) VCF-style: chr3-123426641-C-A.
Other names: c.1822G>T, p.Val608Leu (NM_001321309.2); c.2143G>T, p.Val715Leu (NM_053026.4, NM_053028.4); c.2350G>T, p.Val784Leu (NM_053027.4); short protein forms V608L, V715L, V784L.
Identifiers: ClinVar variation 1790007 (VCV001790007.2), dbSNP rs779637665, ClinGen allele CA354233731.

ClinVar aggregate classification (germline): Uncertain significance (1 of 4 stars; one submission).

Conditions:
Familial thoracic aortic aneurysm and aortic dissection (TAAD). Also called: Thoracic aortic aneurysms and dissections. Identifiers: Orphanet 91387, MedGen C4707243, MONDO:0019625.

Allele frequency attached by ClinVar (database versions not stated): gnomAD exomes below 0.00001.
gnomAD v4.1: 4 of 1,614,208 alleles (0.00025%); highest among the groups gnomAD compares: Non-Finnish European, 0.00034%; no homozygotes.

Submission:

Ambry Genetics
Classification: Uncertain significance for Familial thoracic aortic aneurysm and aortic dissection. Last evaluated: 2019-01-21. Review status: criteria provided, single submitter. Criteria: Ambry Variant Classification Scheme 2023. Collection method: clinical testing. Allele origin: germline.
Comment: The p.V784L variant (also known as c.2350G>T), located in coding exon 13 of the MYLK gene, results from a G to T substitution at nucleotide position 2350. The valine at codon 784 is replaced by leucine, an amino acid with highly similar properties. This amino acid position is highly conserved in available vertebrate species. In addition, the in silico prediction for this alteration is inconclusive. Since supporting evidence is limited at this time, the clinical significance of this alteration remains unclear.